The following is an entry in ClinVar:

ClinVar aggregate classification (germline): Uncertain significance. Review status: criteria provided, single submitter (1 of 4 stars). 2 submissions from 2 submitters: Uncertain significance (1). 1 of the submissions does not count toward it. Last evaluated 2020-02-01.

Allele frequency attached by ClinVar (database versions not stated): TOPMed 0.00004.

Submissions (2):

CeGaT Center for Human Genetics Tuebingen
Classification: Uncertain significance. Last evaluated: 2020-02-01. Review status: criteria provided, single submitter. Criteria: CeGaT Center For Human Genetics Tuebingen Variant Classification Criteria Version 2. Collection method: clinical testing. Allele origin: germline. Affected: yes. Observed: 1 variant allele.

Department of Pathology and Laboratory Medicine, Sinai Health System
Classification: Uncertain significance. Review status: no assertion criteria provided. Collection method: clinical testing. Allele origin: unknown. Affected: yes. Study: The Canadian Open Genetics Repository (COGR). Not counted in ClinVar's aggregate classification.
Comment: The PLEC p.Arg129Gln variant was not identified in the literature nor was it identified in ClinVar or LOVD 3.0. The variant was identified in dbSNP (ID: rs782692739) and in control databases in 5 of 213568 chromosomes at a frequency of 0.000023 (Genome Aggregation Database March 6, 2019, v2.1.1). The variant was observed in the following populations: European (non-Finnish) in 4 of 92206 chromosomes (freq: 0.000043) and South Asian in 1 of 25158 chromosomes (freq: 0.00004), but was not observed in the African, Latino, Ashkenazi Jewish, East Asian, European (Finnish), or Other populations. The p.Arg129 residue is not conserved in mammals and four out of five computational analyses (PolyPhen-2, SIFT, AlignGVGD, BLOSUM, MutationTaster) do not suggest a high likelihood of impact to the protein; however, this information is not predictive enough to rule out pathogenicity. The variant occurs outside of the splicing consensus sequence and three of four in silico or computational prediction software programs (SpliceSiteFinder, MaxEntScan, NNSPLICE, GeneSplicer) do not predict a greater than 10% difference in splicing; this is not very predictive of pathogenicity. In summary, based on the above information the clinical significance of this variant cannot be determined with certainty at this time. This variant is classified as a variant of uncertain significance.

NM_201378.4(PLEC):c.71-11629G>A

Gene: PLEC (plectin; minus strand). Cytogenetic location: 8q24.3.
Variant type: single nucleotide variant.
Coding change: c.71-11629G>A on transcript NM_201378.4 (MANE Plus Clinical); 11629 bases into the intron before coding-DNA position 71, G replaced by A.
Molecular consequence: intron variant. On other transcripts: missense variant (1).
Genome position (GRCh38, 1-based): chr8:143,950,321, C>T on the plus strand (G>A on the coding strand, the complement: PLEC is on the minus strand). VCF-style: chr8-143950321-C-T. GRCh37 (hg19) VCF-style: chr8-145024489-C-T.
Other names: c.386G>A, p.Arg129Gln (NM_201380.4); c.194-11629G>A (NM_001410941.1, NM_000445.5); c.46+3405G>A (NM_201379.3); short protein forms R129Q.
Identifiers: ClinVar variation 916361 (VCV000916361.39), dbSNP rs782692739, ClinGen allele CA4928944.